The following is an entry in ClinVar:

NM_025137.4(SPG11):c.5201G>T (p.Cys1734Phe)

Gene: SPG11 (SPG11 vesicle trafficking associated, spatacsin; minus strand). Cytogenetic location: 15q21.1.
Variant type: single nucleotide variant.
Coding change: c.5201G>T on transcript NM_025137.4 (MANE Select); coding-DNA position 5201, G replaced by T.
Protein change: p.Cys1734Phe; replaces cysteine 1734 with phenylalanine.
Molecular consequence: missense variant.
Genome position (GRCh38, 1-based): chr15:44,584,479, C>A on the plus strand (G>T on the coding strand, the complement: SPG11 is on the minus strand). VCF-style: chr15-44584479-C-A. GRCh37 (hg19) VCF-style: chr15-44876677-C-A.
Other names: c.5201G>T, p.Cys1734Phe (NM_001160227.2); short protein forms C1734F.
Identifiers: ClinVar variation 1021220 (VCV001021220.6), dbSNP rs780601824, ClinGen allele CA7534454.

ClinVar aggregate classification (germline): Uncertain significance (1 of 4 stars; one submission).

Conditions:
Hereditary spastic paraplegia 11. Also called: Nakamura Osame syndrome; Autosomal recessive hereditary spastic paraplegia, mental impairment, and thin corpus callosum; Spastic Paraplegia 11; Spastic paraplegia, mental retardation and thin corpus callosum; SPASTIC PARAPLEGIA, AUTOSOMAL RECESSIVE, COMPLICATED, WITH THIN CORPUS CALLOSUM; SPASTIC PARAPLEGIA, AUTOSOMAL RECESSIVE, WITH MENTAL IMPAIRMENT AND THIN CORPUS CALLOSUM. Identifiers: Orphanet 2822, MedGen C1858479, MONDO:0011445, OMIM 604360.

Allele frequency attached by ClinVar (database versions not stated): gnomAD exomes below 0.00001 and 0.00002; ExAC 0.00002; TOPMed 0.00002.
gnomAD v4.1: 3 of 1,614,158 alleles (0.00019%); highest among the groups gnomAD compares: East Asian, 0.0067%; no homozygotes.

Submission:

Labcorp Genetics (formerly Invitae), Labcorp
Classification: Uncertain significance for Hereditary spastic paraplegia 11. Last evaluated: 2022-06-13. Review status: criteria provided, single submitter. Criteria: Invitae Variant Classification Sherloc (09022015). Collection method: clinical testing. Allele origin: germline.
Comment: This sequence change replaces cysteine, which is neutral and slightly polar, with phenylalanine, which is neutral and non-polar, at codon 1734 of the SPG11 protein (p.Cys1734Phe). This variant is present in population databases (rs780601824, gnomAD 0.03%). This variant has not been reported in the literature in individuals affected with SPG11-related conditions. ClinVar contains an entry for this variant (Variation ID: 1021220). Algorithms developed to predict the effect of missense changes on protein structure and function are either unavailable or do not agree on the potential impact of this missense change (SIFT: "Tolerated"; PolyPhen-2: "Probably Damaging"; Align-GVGD: "Class C0"). In summary, the available evidence is currently insufficient to determine the role of this variant in disease. Therefore, it has been classified as a Variant of Uncertain Significance.